The following is an entry in ClinVar:

ClinVar aggregate classification (germline): Benign/Likely benign. Review status: criteria provided, multiple submitters, no conflicts (2 of 4 stars). 3 submissions from 3 submitters: Benign (2); Likely benign (1). Last evaluated 2024-11-13.

Allele frequency attached by ClinVar (database versions not stated): gnomAD exomes 0.00241; ExAC 0.01479; gnomAD 0.02209 and 0.02354; 1000 Genomes Project 30x 0.04419.
gnomAD v4.1: 5,454 of 1,116,138 alleles (0.49%); highest among the groups gnomAD compares: African/African-American, 9.1%; 2 homozygotes.

Submissions (3):

Blueprint Genetics
Classification: Likely benign. Last evaluated: 2024-11-13. Review status: criteria provided, single submitter. Criteria: ACMG Guidelines, 2015. Collection method: clinical testing. Allele origin: germline.

GeneDx
Classification: Benign. Last evaluated: 2012-12-31. Review status: criteria provided, single submitter. Criteria: GeneDx Variant Classification (06012015). Collection method: clinical testing. Allele origin: germline. Affected: yes.
Comment: This variant is considered likely benign or benign based on one or more of the following criteria: it is a conservative change, it occurs at a poorly conserved position in the protein, it is predicted to be benign by multiple in silico algorithms, and/or has population frequency not consistent with disease.

Breakthrough Genomics
Classification: Benign. Review status: criteria provided, single submitter. Criteria: ACMG Guidelines, 2015. Collection method: not provided. Allele origin: germline. Inheritance: Autosomal dominant inheritance. Affected: yes.

NM_032545.4(CFC1):c.63T>C (p.Asn21=)

Gene: CFC1 (cryptic, EGF-CFC family member 1; minus strand). Cytogenetic location: 2q21.1.
Variant type: single nucleotide variant.
Coding change: c.63T>C on transcript NM_032545.4 (MANE Select); coding-DNA position 63, T replaced by C.
Protein change: p.Asn21=; no amino-acid change (asparagine 21 retained).
Molecular consequence: synonymous variant.
Genome position (GRCh38, 1-based): chr2:130,598,920, A>G on the plus strand (T>C on the coding strand, the complement: CFC1 is on the minus strand). VCF-style: chr2-130598920-A-G. GRCh37 (hg19) VCF-style: chr2-131356493-A-G.
Other names: p.N21N:AAT>AAC; c.63T>C, p.Asn21= (NM_001270420.2, NM_001270421.2).
Identifiers: ClinVar variation 136732 (VCV000136732.3), dbSNP rs200918108, ClinGen allele CA290045.
Genomic context (GRCh38, chr2:130,598,920, plus strand): 5'-CAAATATTTTATGCAATTAAAACTGAAATTATGAATAAAATGTTTCTTACTGTTTCCCAA[A>G]TTGATGATCTGTAATGCCAAACTGACCGTAAACAGAAGCCTAGAATATTTAAAGAAAATC-3'
Protein context (NP_115934.1, residues 11-31): FTVSLALQII[Asn21=]LGNSYQREKH